The following is an entry in ClinVar:

ClinVar aggregate classification (germline): Uncertain significance (1 of 4 stars; one submission).

Submission:

Labcorp Genetics (formerly Invitae), Labcorp
Classification: Uncertain significance. Last evaluated: 2022-10-01. Review status: criteria provided, single submitter. Criteria: Invitae Variant Classification Sherloc (09022015). Collection method: clinical testing. Allele origin: germline.
Comment: In summary, the available evidence is currently insufficient to determine the role of this variant in disease. Therefore, it has been classified as a Variant of Uncertain Significance. Algorithms developed to predict the effect of missense changes on protein structure and function are either unavailable or do not agree on the potential impact of this missense change (SIFT: "Deleterious"; PolyPhen-2: "Probably Damaging"; Align-GVGD: "Class C0"). This variant has not been reported in the literature in individuals affected with ALPK3-related conditions. This variant is not present in population databases (gnomAD no frequency). This sequence change replaces cysteine, which is neutral and slightly polar, with serine, which is neutral and polar, at codon 300 of the ALPK3 protein (p.Cys300Ser).

NM_020778.5(ALPK3):c.293G>C (p.Cys98Ser)

Gene: ALPK3 (alpha kinase 3; plus strand). Cytogenetic location: 15q25.3.
Variant type: single nucleotide variant.
Coding change: c.293G>C on transcript NM_020778.5 (MANE Select); coding-DNA position 293, G replaced by C.
Protein change: p.Cys98Ser; replaces cysteine 98 with serine.
Molecular consequence: missense variant.
Genome position (GRCh38, 1-based): chr15:84,827,594, G>C. VCF-style: chr15-84827594-G-C. GRCh37 (hg19) VCF-style: chr15-85370825-G-C.
Other names: short protein forms C98S.
Identifiers: ClinVar variation 2014112 (VCV002014112.4), dbSNP rs2505697297, ClinGen allele CA393371168.